The following is an entry in ClinVar:

NM_001846.4(COL4A2):c.1217T>C (p.Met406Thr)

Gene: COL4A2 (collagen type IV alpha 2 chain; plus strand). Cytogenetic location: 13q34.
Variant type: single nucleotide variant.
Coding change: c.1217T>C on transcript NM_001846.4 (MANE Select); coding-DNA position 1217, T replaced by C.
Protein change: p.Met406Thr; replaces methionine 406 with threonine.
Molecular consequence: missense variant.
Genome position (GRCh38, 1-based): chr13:110,450,332, T>C. VCF-style: chr13-110450332-T-C. GRCh37 (hg19) VCF-style: chr13-111102679-T-C.
Other names: short protein forms M406T.
Identifiers: ClinVar variation 4086423 (VCV004086423.1).

ClinVar aggregate classification (germline): Uncertain significance (1 of 4 stars; one submission).

Submission:

GeneDx
Classification: Uncertain significance. Last evaluated: 2025-03-20. Review status: criteria provided, single submitter. Criteria: GeneDx Variant Classification Process June 2021. Collection method: clinical testing. Allele origin: germline. Affected: yes.
Comment: Not observed at significant frequency in large population cohorts (gnomAD); In silico analysis indicates that this missense variant does not alter protein structure/function; Has not been previously published as pathogenic or benign to our knowledge